The following is an entry in ClinVar:

NM_001267550.2(TTN):c.67348C>G (p.Gln22450Glu)

Genes: TTN (titin; minus strand), TTN-AS1 (TTN antisense RNA 1; plus strand). Cytogenetic location: 2q31.2.
Variant type: single nucleotide variant.
Coding change: c.67348C>G on transcript NM_001267550.2 (MANE Select); coding-DNA position 67348, C replaced by G.
Protein change: p.Gln22450Glu; replaces glutamine 22450 with glutamic acid.
Molecular consequence: missense variant.
Genome position (GRCh38, 1-based): chr2:178,579,939, G>C on the plus strand (C>G on the coding strand, the complement: TTN is on the minus strand). VCF-style: chr2-178579939-G-C. GRCh37 (hg19) VCF-style: chr2-179444666-G-C.
Other names: c.62425C>G, p.Gln20809Glu (NM_001256850.1); c.40153C>G, p.Gln13385Glu (NM_003319.4); c.59644C>G, p.Gln19882Glu (NM_133378.4); c.40528C>G, p.Gln13510Glu (NM_133432.3); c.40729C>G, p.Gln13577Glu (NM_133437.4); short protein forms Q13385E, Q13510E, Q13577E, Q19882E, Q20809E, Q22450E.
Identifiers: ClinVar variation 2633431 (VCV002633431.1), dbSNP rs1403485272, ClinGen allele CA349423954.

ClinVar aggregate classification (germline): Uncertain significance (1 of 4 stars; one submission).

Conditions:
TTN-related disorder. Also called: TTN-related condition; TTN-related disease; TTN-related disorders.

Submission:

PreventionGenetics, part of Exact Sciences
Classification: Uncertain significance for TTN-related condition. Last evaluated: 2023-03-20. Review status: criteria provided, single submitter. Criteria: ACMG Guidelines, 2015. Collection method: clinical testing. Allele origin: germline.
Comment: The TTN c.67348C>G variant is predicted to result in the amino acid substitution p.Gln22450Glu. To our knowledge, this variant has not been reported in the literature or in a large population database, indicating this variant is rare. At this time, the clinical significance of this variant is uncertain due to the absence of conclusive functional and genetic evidence.